The following is an entry in ClinVar:

GRCh38/hg38 8q22.1(chr8:96065893-97276981)x1

Genes: CPQ (carboxypeptidase Q; plus strand), GDF6 (growth differentiation factor 6; minus strand), MTERF3 (mitochondrial transcription termination factor 3; minus strand), PTDSS1 (phosphatidylserine synthase 1; plus strand), SDC2 (syndecan 2; plus strand) and 19 more. Cytogenetic location: 8q22.1.
Variant type: copy number loss.
Change: copy number 1 (one copy instead of two) of chr8:96,065,893-97,276,981 (1.21 Mb, GRCh38 coordinates, 1-based), cytogenetic band 8q22.1.
Identifiers: ClinVar variation 60388 (VCV000060388.1).

ClinVar aggregate classification (germline): Pathogenic (1 of 4 stars; one submission).

Submission:

ISCA site 15
Classification: Pathogenic. Last evaluated: 2011-08-12. Review status: criteria provided, single submitter. Criteria: Kaminsky et al. (Genet Med. 2011). Collection method: clinical testing. Allele origin: de novo. Affected: yes. Observed: 1 variant allele.
Comment: Copy number variation identified through the course of routine clinical cytogenomic testing in postnatal populations. Clinical assertions have been curated as described in Kaminsky et al. 2011.